The following is an entry in ClinVar:

ClinVar aggregate classification (germline): Uncertain significance (1 of 4 stars; one submission).

Allele frequency attached by ClinVar (database versions not stated): gnomAD 0.00001; TOPMed 0.00001.

Submission:

GeneDx
Classification: Uncertain significance. Last evaluated: 2025-02-27. Review status: criteria provided, single submitter. Criteria: GeneDx Variant Classification Process June 2021. Collection method: clinical testing. Allele origin: germline.
Comment: Not observed at significant frequency in large population cohorts (gnomAD); In silico analysis supports that this missense variant has a deleterious effect on protein structure/function; Has not been previously published as pathogenic or benign to our knowledge

NM_177559.3(CSNK2A1):c.917G>A (p.Arg306Gln)

Gene: CSNK2A1 (casein kinase 2 alpha 1; minus strand). Cytogenetic location: 20p13.
Variant type: single nucleotide variant.
Coding change: c.917G>A on transcript NM_177559.3 (MANE Select); coding-DNA position 917, G replaced by A.
Protein change: p.Arg306Gln; replaces arginine 306 with glutamine.
Molecular consequence: missense variant.
Genome position (GRCh38, 1-based): chr20:487,483, C>T on the plus strand (G>A on the coding strand, the complement: CSNK2A1 is on the minus strand). VCF-style: chr20-487483-C-T. GRCh37 (hg19) VCF-style: chr20-468127-C-T.
Other names: c.917G>A, p.Arg306Gln (NM_001362770.2, NM_001362771.2, NM_001895.4); c.509G>A, p.Arg170Gln (NM_177560.3); short protein forms R170Q, R306Q.
Identifiers: ClinVar variation 3253579 (VCV003253579.2), dbSNP rs1416271899.